The following is an entry in ClinVar:

ClinVar aggregate classification (germline): Uncertain significance (1 of 4 stars; one submission).

Conditions:
ABCA13-related disorder. Also called: ABCA13-related condition.

Allele frequency attached by ClinVar (database versions not stated): gnomAD 0.00006; TOPMed 0.00009; 1000 Genomes Project 30x 0.00031.
gnomAD v4.1: 14 of 1,613,072 alleles (0.00087%); highest among the groups gnomAD compares: African/African-American, 0.012%; no homozygotes.

Submission:

PreventionGenetics, part of Exact Sciences
Classification: Uncertain significance for ABCA13-related condition. Last evaluated: 2023-02-21. Review status: criteria provided, single submitter. Criteria: ACMG Guidelines, 2015. Collection method: clinical testing. Allele origin: germline.
Comment: The ABCA13 c.8542C>T variant is predicted to result in the amino acid substitution p.Leu2848Phe. To our knowledge, this variant has not been reported in the literature. This variant is reported in 0.011% of alleles in individuals of African descent in gnomAD. At this time, the clinical significance of this variant is uncertain due to the absence of conclusive functional and genetic evidence.

NM_152701.5(ABCA13):c.8542C>T (p.Leu2848Phe)

Gene: ABCA13 (ATP binding cassette subfamily A member 13; plus strand). Cytogenetic location: 7p12.3.
Variant type: single nucleotide variant.
Coding change: c.8542C>T on transcript NM_152701.5 (MANE Select); coding-DNA position 8542, C replaced by T.
Protein change: p.Leu2848Phe; replaces leucine 2848 with phenylalanine.
Molecular consequence: missense variant.
Genome position (GRCh38, 1-based): chr7:48,279,736, C>T. VCF-style: chr7-48279736-C-T. GRCh37 (hg19) VCF-style: chr7-48319333-C-T.
Other names: short protein forms L2848F.
Identifiers: ClinVar variation 2634908 (VCV002634908.1), dbSNP rs936195456, ClinGen allele CA158154756.
Genomic context (GRCh38, chr7:48,279,736, plus strand): 5'-AAAGGACTTCTGTTTAACAACTCTGAATGGATAACTTCCACAAGAACTTTGTTTCAGCCA[C>T]TTTTTGAGATTTTCATTAAAGCAACCACCGGAAAGAATGTCACATCAGAAAAAGAAGAGA-3'
Protein context (NP_689914.3, residues 2838-2858): ITSTRTLFQP[Leu2848Phe]FEIFIKATTG